The following is an entry in ClinVar:

ClinVar aggregate classification (germline): Likely benign (0 of 4 stars; one submission).

Conditions:
NCAPD3-related disorder. Also called: NCAPD3-related condition.

Allele frequency attached by ClinVar (database versions not stated): TOPMed below 0.00001; gnomAD 0.00001; ExAC 0.00007.

Submission:

PreventionGenetics, part of Exact Sciences
Classification: Likely benign for NCAPD3-related condition. Last evaluated: 2019-07-19. Review status: no assertion criteria provided. Collection method: clinical testing. Allele origin: germline.
Comment: This variant is classified as likely benign based on ACMG/AMP sequence variant interpretation guidelines (Richards et al. 2015 PMID: 25741868, with internal and published modifications).

NM_015261.3(NCAPD3):c.2046-5T>C

Gene: NCAPD3 (non-SMC condensin II complex subunit D3; minus strand). Cytogenetic location: 11q25.
Variant type: single nucleotide variant.
Coding change: c.2046-5T>C on transcript NM_015261.3 (MANE Select); 5 bases into the intron before coding-DNA position 2046, T replaced by C.
Molecular consequence: intron variant.
Genome position (GRCh38, 1-based): chr11:134,185,531, A>G on the plus strand (T>C on the coding strand, the complement: NCAPD3 is on the minus strand). VCF-style: chr11-134185531-A-G. GRCh37 (hg19) VCF-style: chr11-134055426-A-G.
Other names: c.1632-5T>C (NM_001372070.1, NM_001372069.1); c.2046-5T>C (NM_001372065.1, NM_001372068.1).
Identifiers: ClinVar variation 3050369 (VCV003050369.2), dbSNP rs753567617, ClinGen allele CA6371417.